The following is an entry in ClinVar:

ClinVar aggregate classification (germline): Uncertain significance (1 of 4 stars; one submission).

Submission:

Labcorp Genetics (formerly Invitae), Labcorp
Classification: Uncertain significance. Last evaluated: 2022-09-27. Review status: criteria provided, single submitter. Criteria: Invitae Variant Classification Sherloc (09022015). Collection method: clinical testing. Allele origin: germline.
Comment: In summary, the available evidence is currently insufficient to determine the role of this variant in disease. Therefore, it has been classified as a Variant of Uncertain Significance. Algorithms developed to predict the effect of missense changes on protein structure and function are either unavailable or do not agree on the potential impact of this missense change (SIFT: "Deleterious"; PolyPhen-2: "Probably Damaging"; Align-GVGD: "Class C0"). This variant has not been reported in the literature in individuals affected with TBC1D8B-related conditions. This variant is not present in population databases (gnomAD no frequency). This sequence change replaces valine, which is neutral and non-polar, with methionine, which is neutral and non-polar, at codon 666 of the TBC1D8B protein (p.Val666Met).

NM_017752.3(TBC1D8B):c.1996G>A (p.Val666Met)

Gene: TBC1D8B (TBC1 domain family member 8B; plus strand). Cytogenetic location: Xq22.3.
Variant type: single nucleotide variant.
Coding change: c.1996G>A on transcript NM_017752.3 (MANE Select); coding-DNA position 1996, G replaced by A.
Protein change: p.Val666Met; replaces valine 666 with methionine.
Molecular consequence: missense variant.
Genome position (GRCh38, 1-based): chrX:106,850,183, G>A. VCF-style: chrX-106850183-G-A. GRCh37 (hg19) VCF-style: chrX-106093413-G-A.
Other names: short protein forms V666M.
Identifiers: ClinVar variation 2022040 (VCV002022040.4), dbSNP rs2521663023, ClinGen allele CA413809824.